The following is an entry in ClinVar:

ClinVar aggregate classification (germline): Uncertain significance (1 of 4 stars; one submission).

Conditions:
Primary dilated cardiomyopathy (DCM). Also called: Dilated Cardiomyopathy. Identifiers: Orphanet 217604, MedGen C0007193, MeSH D002311, MONDO:0005021, HP:0001644. Inheritance: Various modes of inheritance.
Hypertrophic cardiomyopathy. Also called: HYPERTROPHIC MYOCARDIOPATHY. Identifiers: Orphanet 217569, MedGen C0007194, MeSH D002312, MONDO:0005045, HP:0001639.

Submission:

Labcorp Genetics (formerly Invitae), Labcorp
Classification: Uncertain significance for Hypertrophic cardiomyopathy; Primary dilated cardiomyopathy. Last evaluated: 2022-11-05. Review status: criteria provided, single submitter. Criteria: Invitae Variant Classification Sherloc (09022015). Collection method: clinical testing. Allele origin: germline.
Comment: Experimental studies and prediction algorithms are not available or were not evaluated, and the functional significance of this variant is currently unknown. This sequence change affects the initiator methionine of the PDLIM3 mRNA. The next in-frame methionine is located at codon 60. This variant is not present in population databases (gnomAD no frequency). This variant has not been reported in the literature in individuals affected with PDLIM3-related conditions. In summary, the available evidence is currently insufficient to determine the role of this variant in disease. Therefore, it has been classified as a Variant of Uncertain Significance.

NM_014476.6(PDLIM3):c.3G>A (p.Met1Ile)

Gene: PDLIM3 (PDZ and LIM domain 3; minus strand). Cytogenetic location: 4q35.1.
Variant type: single nucleotide variant.
Coding change: c.3G>A on transcript NM_014476.6 (MANE Select); coding-DNA position 3, G replaced by A.
Protein change: p.Met1Ile; changes the start codon (methionine 1).
Molecular consequence: missense variant, initiator codon variant. On other transcripts: non-coding transcript variant (1).
Genome position (GRCh38, 1-based): chr4:185,535,432, C>T on the plus strand (G>A on the coding strand, the complement: PDLIM3 is on the minus strand). VCF-style: chr4-185535432-C-T. GRCh37 (hg19) VCF-style: chr4-186456586-C-T.
Other names: c.3G>A, p.Met1Ile (NM_001114107.5, NM_001257962.2, NM_001257963.2); short protein forms M1I.
Identifiers: ClinVar variation 2926272 (VCV002926272.3), dbSNP rs1032380240, ClinGen allele CA112059651.